The following is an entry in ClinVar:

ClinVar aggregate classification (germline): Uncertain significance (1 of 4 stars; one submission).

Conditions:
Long QT syndrome (LQTS). Identifiers: MedGen C0023976, MeSH D008133, MONDO:0002442. Disease mechanism: loss of function. Inheritance: Various modes of inheritance.

Submission:

Labcorp Genetics (formerly Invitae), Labcorp
Classification: Uncertain significance for Long QT syndrome. Last evaluated: 2018-05-01. Review status: criteria provided, single submitter. Criteria: Invitae Variant Classification Sherloc (09022015). Collection method: clinical testing. Allele origin: germline.
Comment: A gross deletion of the genomic region encompassing the full coding sequence of the SNTA1 gene has been identified. The boundaries of this event are unknown as the deletion extends beyond the assayed region for this gene and therefore may encompass additional genes. This variant has not been reported in the literature in individuals with SNTA1-related disease. The current clinical and genetic evidence is not sufficient to establish whether loss-of-function variants in SNTA1 cause disease. In summary, the available evidence is currently insufficient to determine the role of this variant in disease. Therefore, it has been classified as a Variant of Uncertain Significance.

NC_000020.10:g.(?_31996293)_(33338342_?)del

Genes: E2F1 (E2F transcription factor 1; minus strand), EIF2S2 (eukaryotic translation initiation factor 2 subunit beta; minus strand), RALY (RALY heterogeneous nuclear ribonucleoprotein; plus strand), CHMP4B (charged multivesicular body protein 4B; plus strand), DYNLRB1 (dynein light chain roadblock-type 1; plus strand) and 14 more. Cytogenetic location: 20q11.21-11.22.
Variant type: Deletion.
Identifiers: ClinVar variation 584348 (VCV000584348.1).